The following is an entry in ClinVar:

ClinVar aggregate classification (germline): Uncertain significance (1 of 4 stars; one submission).

Conditions:
Cardiomyopathy (CMYO). Also called: Cardiomyopathies. Identifiers: Orphanet 167848, MedGen C0878544, MONDO:0004994, HP:0001638. Inheritance: Various modes of inheritance.

Submission:

Color Diagnostics, LLC DBA Color Health
Classification: Uncertain significance for Cardiomyopathy. Last evaluated: 2025-06-09. Review status: criteria provided, single submitter. Criteria: ACMG Guidelines, 2015. Collection method: clinical testing. Allele origin: germline.
Comment: This missense variant replaces alanine with threonine at codon 67 of the TPM1 protein. Computational prediction is inconclusive regarding the impact of this variant on protein structure and function. To our knowledge, functional studies have not been reported for this variant. This variant has not been reported in individuals affected with TPM1-related disorders in the literature. This variant has not been identified in the general population by the Genome Aggregation Database (gnomAD). The available evidence is insufficient to determine the role of this variant in disease conclusively. Therefore, this variant is classified as a Variant of Uncertain Significance.

NM_001018005.2(TPM1):c.199G>A (p.Ala67Thr)

Gene: TPM1 (tropomyosin 1; plus strand). Cytogenetic location: 15q22.2.
Variant type: single nucleotide variant.
Coding change: c.199G>A on transcript NM_001018005.2 (MANE Select); coding-DNA position 199, G replaced by A.
Protein change: p.Ala67Thr; replaces alanine 67 with threonine.
Molecular consequence: missense variant. On other transcripts: non-coding transcript variant (12), intron variant (10).
Genome position (GRCh38, 1-based): chr15:63,044,111, G>A. VCF-style: chr15-63044111-G-A. GRCh37 (hg19) VCF-style: chr15-63336310-G-A.
Other names: c.325G>A, p.Ala109Thr (NM_001407324.1, NM_001365778.1, NM_001407322.1 and 1 more transcripts); c.199G>A, p.Ala67Thr (NM_001407325.1, NM_001407326.1, NM_001407327.1 and 10 more transcripts); c.240+280G>A (NM_001407336.1, NM_001018020.2, NM_001407338.1 and 7 more transcripts); short protein forms A109T, A67T.
Identifiers: ClinVar variation 4756942 (VCV004756942.1).